The following is an entry in ClinVar:

ClinVar aggregate classification (germline): Uncertain significance (1 of 4 stars; one submission).

gnomAD v4.1: 1 of 1,612,684 alleles (0.000062%); highest among the groups gnomAD compares: South Asian, 0.0011%; no homozygotes.

Submission:

Labcorp Genetics (formerly Invitae), Labcorp
Classification: Uncertain significance. Last evaluated: 2023-07-20. Review status: criteria provided, single submitter. Criteria: Invitae Variant Classification Sherloc (09022015). Collection method: clinical testing. Allele origin: germline.
Comment: In summary, the available evidence is currently insufficient to determine the role of this variant in disease. Therefore, it has been classified as a Variant of Uncertain Significance. An algorithm developed to predict the effect of missense changes on protein structure and function (PolyPhen-2) suggests that this variant is likely to be tolerated. This variant has not been reported in the literature in individuals affected with CACNA2D4-related conditions. This variant is present in population databases (rs34007338, gnomAD 0.003%). This sequence change replaces methionine, which is neutral and non-polar, with leucine, which is neutral and non-polar, at codon 747 of the CACNA2D4 protein (p.Met747Leu).

NM_172364.5(CACNA2D4):c.2239A>C (p.Met747Leu)

Gene: CACNA2D4 (calcium voltage-gated channel auxiliary subunit alpha2delta 4; minus strand). Cytogenetic location: 12p13.33.
Variant type: single nucleotide variant.
Coding change: c.2239A>C on transcript NM_172364.5 (MANE Select); coding-DNA position 2239, A replaced by C.
Protein change: p.Met747Leu; replaces methionine 747 with leucine.
Molecular consequence: missense variant.
Genome position (GRCh38, 1-based): chr12:1,853,958, T>G on the plus strand (A>C on the coding strand, the complement: CACNA2D4 is on the minus strand). VCF-style: chr12-1853958-T-G. GRCh37 (hg19) VCF-style: chr12-1963124-T-G.
Other names: short protein forms M747L.
Identifiers: ClinVar variation 2788329 (VCV002788329.3), dbSNP rs34007338, ClinGen allele CA6386794.